The following is an entry in ClinVar:

ClinVar aggregate classification (germline): Uncertain significance (1 of 4 stars; one submission).

Conditions:
Cardiovascular phenotype. Identifiers: MedGen CN230736.
Hereditary cancer-predisposing syndrome. Also called: Neoplastic Syndromes, Hereditary; Tumor predisposition; Hereditary Cancer Syndrome; Hereditary neoplastic syndrome. Identifiers: Orphanet 140162, MedGen C0027672, MeSH D009386, MONDO:0015356.

Submission:

Ambry Genetics
Classification: Uncertain significance for Cardiovascular phenotype; Hereditary cancer-predisposing syndrome. Last evaluated: 2020-12-15. Review status: criteria provided, single submitter. Criteria: Ambry Variant Classification Scheme 2023. Collection method: clinical testing. Allele origin: germline.
Comment: The p.H2372P variant (also known as c.7115A>C), located in coding exon 47 of the NF1 gene, results from an A to C substitution at nucleotide position 7115. The histidine at codon 2372 is replaced by proline, an amino acid with similar properties. This amino acid position is highly conserved in available vertebrate species. In addition, the in silico prediction for this alteration is inconclusive. Since supporting evidence is limited at this time, the clinical significance of this alteration remains unclear.

NM_001042492.3(NF1):c.7178A>C (p.His2393Pro)

Gene: NF1 (neurofibromin 1; plus strand). Cytogenetic location: 17q11.2.
Variant type: single nucleotide variant.
Coding change: c.7178A>C on transcript NM_001042492.3 (MANE Select); coding-DNA position 7178, A replaced by C.
Protein change: p.His2393Pro; replaces histidine 2393 with proline.
Molecular consequence: missense variant.
Genome position (GRCh38, 1-based): chr17:31,343,124, A>C. VCF-style: chr17-31343124-A-C. GRCh37 (hg19) VCF-style: chr17-29670142-A-C.
Other names: c.7115A>C, p.His2372Pro (NM_000267.4); short protein forms H2372P, H2393P.
Identifiers: ClinVar variation 1757236 (VCV001757236.2), dbSNP rs2069870134, ClinGen allele CA399015764.